The following is an entry in ClinVar:

NM_000245.4(MET):c.2825C>T (p.Ser942Leu)

Gene: MET (MET proto-oncogene, receptor tyrosine kinase; plus strand). Cytogenetic location: 7q31.2.
Variant type: single nucleotide variant.
Coding change: c.2825C>T on transcript NM_000245.4 (MANE Select); coding-DNA position 2825, C replaced by T.
Protein change: p.Ser942Leu; replaces serine 942 with leucine.
Molecular consequence: missense variant.
Genome position (GRCh38, 1-based): chr7:116,771,592, C>T. VCF-style: chr7-116771592-C-T. GRCh37 (hg19) VCF-style: chr7-116411646-C-T.
Other names: c.2879C>T (NM_001127500.2); c.2879C>T, p.Ser960Leu (NM_001127500.3); c.1535C>T, p.Ser512Leu (NM_001324402.2); short protein forms S960L, S512L, S942L.
Identifiers: ClinVar variation 186678 (VCV000186678.30), dbSNP rs375576430, ClinGen allele CA195544.

ClinVar aggregate classification (germline): Conflicting classifications of pathogenicity. Review status: criteria provided, conflicting classifications (1 of 4 stars). 9 submissions from 9 submitters: Uncertain significance (7); Likely benign (2). Last evaluated 2025-11-27.

Conditions:
Hereditary cancer. Identifiers: MedGen C1333600.
Arthrogryposis, distal, IIa 11. Also called: Arthrogryposis, distal, type 11. Identifiers: MedGen C5774205, MONDO:0031045, OMIM 620019.
Autosomal recessive nonsyndromic hearing loss 97. Also called: Deafness, autosomal recessive 97. Identifiers: Orphanet 90636, MedGen C4084709, MONDO:0014739, OMIM 616705.
Osteofibrous dysplasia (OSFD). Also called: Tibia, bowing of, with pseudarthrosis and pectus excavatum. Identifiers: Orphanet 488265, MedGen C4085248, MONDO:0011806, OMIM 607278.
Hepatocellular carcinoma (HCC). Also called: HEPATOMA; LIVER CELL CARCINOMA; Primary carcinoma of liver. Identifiers: Orphanet 88673, MedGen C2239176, MONDO:0007256, OMIM 114550, HP:0001402.
Papillary renal cell carcinoma type 1 (RCCP1). Also called: RENAL CELL CARCINOMA, PAPILLARY, 1, SOMATIC; Renal adenocarcinoma; Renal cell carcinoma 1; Renal cell carcinoma, somatic. Identifiers: Orphanet 47044, MedGen C1336839, OMIM 605074, HP:0011797.
Renal cell carcinoma. Identifiers: Orphanet 217071, MedGen C0007134, MeSH D002292, MONDO:0005086, HP:0005584.
Hereditary cancer-predisposing syndrome. Also called: Neoplastic Syndromes, Hereditary; Hereditary neoplastic syndrome; Tumor predisposition; Hereditary Cancer Syndrome. Identifiers: Orphanet 140162, MedGen C0027672, MeSH D009386, MONDO:0015356.

Allele frequency attached by ClinVar (database versions not stated): ExAC 0.00003; ESP Exome Variant Server 0.00017; gnomAD 0.00004; TOPMed 0.00006.
gnomAD v4.1: 99 of 1,613,762 alleles (0.0061%); highest among the groups gnomAD compares: Non-Finnish European, 0.008%; no homozygotes.

Submissions (9):

Labcorp Genetics (formerly Invitae), Labcorp
Classification: Uncertain significance for Renal cell carcinoma. Last evaluated: 2025-11-27. Review status: criteria provided, single submitter. Criteria: Invitae Variant Classification Sherloc (09022015). Collection method: clinical testing. Allele origin: germline.
Comment: This sequence change replaces serine, which is neutral and polar, with leucine, which is neutral and non-polar, at codon 960 of the MET protein (p.Ser960Leu). This variant is present in population databases (rs375576430, gnomAD 0.007%). This variant has not been reported in the literature in individuals affected with MET-related conditions. ClinVar contains an entry for this variant (Variation ID: 186678). Invitae Evidence Modeling of protein sequence and biophysical properties (such as structural, functional, and spatial information, amino acid conservation, physicochemical variation, residue mobility, and thermodynamic stability) indicates that this missense variant is not expected to disrupt MET protein function with a negative predictive value of 80%. In summary, the available evidence is currently insufficient to determine the role of this variant in disease. Therefore, it has been classified as a Variant of Uncertain Significance.

Quest Diagnostics Nichols Institute San Juan Capistrano
Classification: Uncertain significance. Last evaluated: 2025-08-08. Review status: criteria provided, single submitter. Criteria: Quest Diagnostics criteria. Collection method: clinical testing. Allele origin: unknown.

Center for Genomic Medicine, Rigshospitalet, Copenhagen University Hospital
Classification: Uncertain significance. Last evaluated: 2025-03-04. Review status: criteria provided, single submitter. Criteria: ACMG Guidelines, 2015. Collection method: clinical testing. Allele origin: germline.

Mendelics
Classification: Likely benign for Hereditary cancer. Last evaluated: 2025-02-27. Review status: criteria provided, single submitter. Criteria: ACMG Guidelines, 2015. Collection method: clinical testing. Allele origin: unknown.
Comment: This variant is considered likely benign or benign based on one or more of the following: it is predicted to be benign by multiple in silico algorithms, and/or has population frequency not consistent with disease, and/or has normal protein function, and/or has lack of segregation with disease, and/or has been detected in co-occurrence with known pathogenic variant, and/or has lack of disease association in case-control studies, and/or is located in a region inconsistent with a known cause of pathogenicity.

Dasa
Classification: Uncertain significance. Last evaluated: 2025-01-30. Review status: criteria provided, single submitter. Criteria: DASA Assertion Criteria. Collection method: clinical testing. Allele origin: germline.
Comment: NM_000245.4(MET):c.2825C>T (p.Ser942Leu) is a missense variant that results in the substitution of serine with leucine. This variant is rare in population databases. Computational prediction algorithms are consistent with a benign effect. The currently available literature and clinical evidence are not sufficient to establish a definitive association between this variant and the reported condition. Therefore, this variant is classified as a variant of uncertain significance.

Fulgent Genetics
Classification: Uncertain significance for Hepatocellular carcinoma; Papillary renal cell carcinoma type 1; Osteofibrous dysplasia; Autosomal recessive nonsyndromic hearing loss 97; Arthrogryposis, distal, IIa 11. Last evaluated: 2024-03-01. Review status: criteria provided, single submitter. Criteria: ACMG Guidelines, 2015. Collection method: clinical testing. Allele origin: germline.

Baylor Genetics
Classification: Uncertain significance for Autosomal recessive nonsyndromic hearing loss 97. Last evaluated: 2023-08-02. Review status: criteria provided, single submitter. Criteria: ACMG Guidelines, 2015. Collection method: clinical testing. Allele origin: unknown.

Ambry Genetics
Classification: Likely benign for Hereditary cancer-predisposing syndrome. Last evaluated: 2023-08-01. Review status: criteria provided, single submitter. Criteria: Ambry Variant Classification Scheme 2023. Collection method: clinical testing. Allele origin: germline.

GeneDx
Classification: Uncertain significance. Last evaluated: 2023-05-26. Review status: criteria provided, single submitter. Criteria: GeneDx Variant Classification Process June 2021. Collection method: clinical testing. Allele origin: germline. Affected: yes.
Comment: In silico analysis supports that this missense variant has a deleterious effect on protein structure/function; Observed in an individual with breast cancer (Guindalini et al., 2022); This variant is associated with the following publications: (PMID: 35264596)